The following is an entry in ClinVar:

NM_000540.3(RYR1):c.8767G>A (p.Ala2923Thr)

Gene: RYR1 (ryanodine receptor 1; plus strand). Cytogenetic location: 19q13.2.
Variant type: single nucleotide variant.
Coding change: c.8767G>A on transcript NM_000540.3 (MANE Select); coding-DNA position 8767, G replaced by A.
Protein change: p.Ala2923Thr; replaces alanine 2923 with threonine.
Molecular consequence: missense variant.
Genome position (GRCh38, 1-based): chr19:38,506,903, G>A. VCF-style: chr19-38506903-G-A. GRCh37 (hg19) VCF-style: chr19-38997543-G-A.
Other names: c.8767G>A, p.Ala2923Thr (NM_001042723.2); short protein forms A2923T.
Identifiers: ClinVar variation 2060082 (VCV002060082.3), dbSNP rs755944109, ClinGen allele CA072688.

ClinVar aggregate classification (germline): Uncertain significance. Review status: criteria provided, multiple submitters, no conflicts (2 of 4 stars). 2 submissions from 2 submitters: Uncertain significance (2). Last evaluated 2025-08-18.

Conditions:
Malignant hyperthermia, susceptibility to, 1 (MHS1). Also called: Anesthesia related hyperthermia; Malignant hyperpyrexia; Fulminating hyperpyrexia; Pharmacogenic myopathy; RYR1-Related Malignant Hyperthermia Susceptibility; Malignant hyperthermia suceptibility 1. Identifiers: Orphanet 423, MedGen C2930980, MONDO:0007783, OMIM 145600.
RYR1-related disorder. Also called: RYR1-related condition; RYR1-related disorders. Identifiers: MedGen CN239331.

gnomAD v4.1: 29 of 1,613,376 alleles (0.0018%); highest among the groups gnomAD compares: Middle Eastern, 0.018%; no homozygotes.

Submissions (2):

Labcorp Genetics (formerly Invitae), Labcorp
Classification: Uncertain significance for RYR1-related disorder. Last evaluated: 2025-08-18. Review status: criteria provided, single submitter. Criteria: Invitae Variant Classification Sherloc (09022015). Collection method: clinical testing. Allele origin: germline.
Comment: This sequence change replaces alanine, which is neutral and non-polar, with threonine, which is neutral and polar, at codon 2923 of the RYR1 protein (p.Ala2923Thr). This variant is present in population databases (rs755944109, gnomAD 0.002%). This variant has not been reported in the literature in individuals affected with RYR1-related conditions. ClinVar contains an entry for this variant (Variation ID: 2060082). Invitae Evidence Modeling of protein sequence and biophysical properties (such as structural, functional, and spatial information, amino acid conservation, physicochemical variation, residue mobility, and thermodynamic stability) indicates that this missense variant is expected to disrupt RYR1 protein function with a positive predictive value of 80%. In summary, the available evidence is currently insufficient to determine the role of this variant in disease. Therefore, it has been classified as a Variant of Uncertain Significance.

Color Diagnostics, LLC DBA Color Health
Classification: Uncertain significance for Malignant hyperthermia, susceptibility to, 1. Last evaluated: 2024-03-28. Review status: criteria provided, single submitter. Criteria: ACMG Guidelines, 2015. Collection method: clinical testing. Allele origin: germline.
Comment: This missense variant replaces alanine with threonine at codon 2923 of the RYR1 protein. Computational prediction suggests that this variant may have deleterious impact on protein structure and function. To our knowledge, functional studies have not been reported for this variant. This variant has not been reported in individuals affected with RYR1-related disorders in the literature. This variant has been identified in 2/251364 chromosomes in the general population by the Genome Aggregation Database (gnomAD). The available evidence is insufficient to determine the role of this variant in disease conclusively. Therefore, this variant is classified as a Variant of Uncertain Significance.